The following is an entry in ClinVar:

NM_001165967.2(HES7):c.226+3A>G

Gene: HES7 (hes family bHLH transcription factor 7; minus strand). Cytogenetic location: 17p13.1.
Variant type: single nucleotide variant.
Coding change: c.226+3A>G on transcript NM_001165967.2 (MANE Select); 3 bases into the intron after coding-DNA position 226, A replaced by G.
Molecular consequence: intron variant.
Genome position (GRCh38, 1-based): chr17:8,122,340, T>C on the plus strand (A>G on the coding strand, the complement: HES7 is on the minus strand). VCF-style: chr17-8122340-T-C. GRCh37 (hg19) VCF-style: chr17-8025658-T-C.
Other names: c.226+3A>G (NM_032580.4).
Identifiers: ClinVar variation 1421777 (VCV001421777.6), dbSNP rs778723999, ClinGen allele CA8368688.
Genomic context (GRCh38, chr17:8,122,340, plus strand): 5'-CCCCGGCCGGAGCCTCCTGGCGTCCCCCCTCCCTCCCTCCGCTGCCCCACCCCCGCGCTG[T>C]ACCCGGGGGCTCCACCCGGCTTCGCTCCCTCAAGTAGCCCACGGCGAACTCCAATATCTC-3'

ClinVar aggregate classification (germline): Uncertain significance (1 of 4 stars; one submission).

Allele frequency attached by ClinVar (database versions not stated): gnomAD 0.00002; gnomAD exomes 0.00002 and 0.00004; ExAC 0.00004; TOPMed 0.00004.
gnomAD v4.1: 37 of 1,566,716 alleles (0.0024%); highest among the groups gnomAD compares: Non-Finnish European, 0.0031%; no homozygotes.

Submission:

Labcorp Genetics (formerly Invitae), Labcorp
Classification: Uncertain significance. Last evaluated: 2025-04-22. Review status: criteria provided, single submitter. Criteria: Invitae Variant Classification Sherloc (09022015). Collection method: clinical testing. Allele origin: germline.
Comment: This sequence change falls in intron 3 of the HES7 gene. It does not directly change the encoded amino acid sequence of the HES7 protein. It affects a nucleotide within the consensus splice site. This variant is present in population databases (rs778723999, gnomAD 0.01%). This variant has not been reported in the literature in individuals affected with HES7-related conditions. ClinVar contains an entry for this variant (Variation ID: 1421777). Variants that disrupt the consensus splice site are a relatively common cause of aberrant splicing (PMID: 17576681, 9536098). Algorithms developed to predict the effect of sequence changes on RNA splicing suggest that this variant may disrupt the consensus splice site. In summary, the available evidence is currently insufficient to determine the role of this variant in disease. Therefore, it has been classified as a Variant of Uncertain Significance.

Literature cited by the submitters: PubMed 17576681; PubMed 9536098.